The following is an entry in ClinVar:

ClinVar aggregate classification (germline): Conflicting classifications of pathogenicity. Review status: criteria provided, conflicting classifications (1 of 4 stars). 8 submissions from 7 submitters: Uncertain significance (2); Likely benign (4). 2 of the submissions do not count toward it. Last evaluated 2026-04-01.

Conditions:
LTBP2-related disorder. Also called: LTBP2-related disorders; LTBP2-related condition.
Weill-Marchesani syndrome. Also called: WM Syndrome; Mesodermal dysmorphodystrophy congenital. Identifiers: Orphanet 3449, MedGen C0265313, MONDO:0018096.
Glaucoma 3, primary congenital, D. Identifiers: Orphanet 98976, MedGen C2751316, MONDO:0013122, OMIM 613086.

Allele frequency attached by ClinVar (database versions not stated): 1000 Genomes Project 30x 0.00031; 1000 Genomes Project 0.00040; gnomAD 0.00082; ExAC 0.00095; gnomAD exomes 0.00099; TOPMed 0.00102; ESP Exome Variant Server 0.00123.

Submissions (8):

CeGaT Center for Human Genetics Tuebingen
Classification: Likely benign. Last evaluated: 2026-04-01. Review status: criteria provided, single submitter. Criteria: CeGaT Center For Human Genetics Tuebingen Variant Classification Criteria Version 2. Collection method: clinical testing. Allele origin: germline. Affected: yes. Observed: 1 variant allele.
Comment: LTBP2: BP4

Labcorp Genetics (formerly Invitae), Labcorp
Classification: Likely benign. Last evaluated: 2026-01-31. Review status: criteria provided, single submitter. Criteria: Invitae Variant Classification Sherloc (09022015). Collection method: clinical testing. Allele origin: germline.

PreventionGenetics, part of Exact Sciences
Classification: Likely benign for LTBP2-related condition. Last evaluated: 2025-02-24. Review status: criteria provided, single submitter. Criteria: ACMG Guidelines, 2015. Collection method: clinical testing. Allele origin: germline.
Comment: This variant is classified as likely benign based on ACMG/AMP sequence variant interpretation guidelines (Richards et al. 2015 PMID: 25741868, with internal and published modifications).

Blueprint Genetics
Classification: Likely benign. Last evaluated: 2024-11-22. Review status: criteria provided, single submitter. Criteria: ACMG Guidelines, 2015. Collection method: clinical testing. Allele origin: germline.

Illumina Laboratory Services, Illumina
Classification: Uncertain significance for Weill-Marchesani syndrome. Last evaluated: 2018-01-13. Review status: criteria provided, single submitter. Criteria: ICSL Variant Classification Criteria 13 December 2019. Collection method: clinical testing. Allele origin: germline.

Illumina Laboratory Services, Illumina
Classification: Uncertain significance for Glaucoma 3, primary congenital, D. Last evaluated: 2018-01-13. Review status: criteria provided, single submitter. Criteria: ICSL Variant Classification Criteria 13 December 2019. Collection method: clinical testing. Allele origin: germline.

Clinical Genetics DNA and cytogenetics Diagnostics Lab, Erasmus MC, Erasmus Medical Center
Classification: Likely benign. Review status: no assertion criteria provided. Collection method: clinical testing. Allele origin: germline. Affected: yes. Study: VKGL Data-share Consensus. Not counted in ClinVar's aggregate classification.

Laboratory of Diagnostic Genome Analysis, Leiden University Medical Center (LUMC)
Classification: Likely benign. Review status: no assertion criteria provided. Collection method: clinical testing. Allele origin: germline. Affected: yes. Study: VKGL Data-share Consensus. Not counted in ClinVar's aggregate classification.

NM_000428.3(LTBP2):c.800C>T (p.Ser267Leu)

Gene: LTBP2 (latent transforming growth factor beta binding protein 2; minus strand). Cytogenetic location: 14q24.3.
Variant type: single nucleotide variant.
Coding change: c.800C>T on transcript NM_000428.3 (MANE Select); coding-DNA position 800, C replaced by T.
Protein change: p.Ser267Leu; replaces serine 267 with leucine.
Molecular consequence: missense variant.
Genome position (GRCh38, 1-based): chr14:74,585,884, G>A on the plus strand (C>T on the coding strand, the complement: LTBP2 is on the minus strand). VCF-style: chr14-74585884-G-A. GRCh37 (hg19) VCF-style: chr14-75052587-G-A.
Other names: short protein forms S267L.
Identifiers: ClinVar variation 314316 (VCV000314316.20), dbSNP rs149952751, ClinGen allele CA7270096.
Genomic context (GRCh38, chr14:74,585,884, plus strand): 5'-ACCCCAAGCCCCATGGAGAAGGGGACTTACCCAGCTGGTGGCGACTGTGGTGCGGGCGGC[G>A]ACTGTGGTGCTGGCGGCTGTGCTCTGGCCAAGGTGCCCTCTCCAGCCGCACTGCTCCTGC-3'
Protein context (NP_000419.1, residues 257-277): LARAQPPAPQ[Ser267Leu]PPAPQSPPAG